The following is an entry in ClinVar:

NM_024685.4(BBS10):c.1629C>T (p.Asn543=)

Gene: BBS10 (Bardet-Biedl syndrome 10; minus strand). Cytogenetic location: 12q21.2.
Variant type: single nucleotide variant.
Coding change: c.1629C>T on transcript NM_024685.4 (MANE Select); coding-DNA position 1629, C replaced by T.
Protein change: p.Asn543=; no amino-acid change (asparagine 543 retained).
Molecular consequence: synonymous variant.
Genome position (GRCh38, 1-based): chr12:76,346,356, G>A on the plus strand (C>T on the coding strand, the complement: BBS10 is on the minus strand). VCF-style: chr12-76346356-G-A. GRCh37 (hg19) VCF-style: chr12-76740136-G-A.
Identifiers: ClinVar variation 696368 (VCV000696368.16), dbSNP rs145124702, ClinGen allele CA6694134.
Genomic context (GRCh38, chr12:76,346,356, plus strand): 5'-CTGTAAATTTTCGTAAGAAATTTCTATTCTATTTCCCCTTGTTGAATAAGCAGTGGAATT[G>A]TTCTTGAGTAATGGTTCATAATAATCAGTTAGCCTGTTTCTTTCCAAAGACAAACATGTC-3'
Protein context (NP_078961.3, residues 533-553): LTDYYEPLLK[Asn543=]NSTAYSTRGN

ClinVar aggregate classification (germline): Likely benign. Review status: criteria provided, multiple submitters, no conflicts (2 of 4 stars). 5 submissions from 5 submitters: Likely benign (3). 2 of the submissions do not count toward it. Last evaluated 2025-02-06.

Conditions:
Bardet-Biedl syndrome (BBS). Identifiers: Orphanet 110, MedGen C0752166, MONDO:0015229.
BBS10-related disorder. Also called: BBS10-related condition.
Bardet-Biedl syndrome 10 (BBS10). Identifiers: Orphanet 110, MedGen C1859568, MONDO:0014438, OMIM 615987.

Allele frequency attached by ClinVar (database versions not stated): gnomAD exomes 0.00002 and 0.00004; ExAC 0.00004; gnomAD 0.00007 and 0.00008; ESP Exome Variant Server 0.00008; TOPMed 0.00008.

Submissions (5):

Labcorp Genetics (formerly Invitae), Labcorp
Classification: Likely benign for Bardet-Biedl syndrome. Last evaluated: 2025-02-06. Review status: criteria provided, single submitter. Criteria: Invitae Variant Classification Sherloc (09022015). Collection method: clinical testing. Allele origin: germline.

Blueprint Genetics
Classification: Likely benign. Last evaluated: 2022-07-18. Review status: criteria provided, single submitter. Criteria: ACMG Guidelines, 2015. Collection method: clinical testing. Allele origin: germline.

Genetic Services Laboratory, University of Chicago
Classification: Likely benign. Last evaluated: 2018-03-22. Review status: criteria provided, single submitter. Criteria: ACMG Guidelines, 2015. Collection method: clinical testing. Allele origin: germline. Affected: no.

PreventionGenetics, part of Exact Sciences
Classification: Likely benign for BBS10-related condition. Last evaluated: 2021-11-19. Review status: no assertion criteria provided. Collection method: clinical testing. Allele origin: germline. Not counted in ClinVar's aggregate classification.
Comment: This variant is classified as likely benign based on ACMG/AMP sequence variant interpretation guidelines (Richards et al. 2015 PMID: 25741868, with internal and published modifications).

Natera, Inc.
Classification: Likely benign for Bardet-Biedl syndrome type 10. Last evaluated: 2020-02-07. Review status: no assertion criteria provided. Collection method: clinical testing. Allele origin: germline. Not counted in ClinVar's aggregate classification.